The following is an entry in ClinVar:

ClinVar aggregate classification (germline): Likely pathogenic (1 of 4 stars; one submission).

Conditions:
Fabry disease. Also called: ALPHA-GALACTOSIDASE A DEFICIENCY; ANDERSON-FABRY DISEASE; CERAMIDE TRIHEXOSIDASE DEFICIENCY; GLA DEFICIENCY; HEREDITARY DYSTOPIC LIPIDOSIS; Angiokeratoma corporis diffusum. Identifiers: Orphanet 324, MedGen C0002986, MONDO:0010526, OMIM 301500, HP:0001071. Disease mechanism: Fabry disease is due to inactivating mutations in the X-linked GLA gene resulting in deficiency of the enzyme Alpha Galactosidase-A., loss of function.

Submission:

Genomenon, Inc
Classification: Likely pathogenic for Fabry disease. Last evaluated: 2026-09-08. Review status: criteria provided, single submitter. Criteria: Genomenon Sequence Variant Interpretation Standards - Updated. Collection method: curation. Allele origin: germline. Affected: no.
Comment: GLA p.Asn53ThrfsTer68 (c.158del) is a frameshift variant that is predicted to introduce a premature termination codon and result in a truncated or absent protein product. This variant has been reported in the published literature (PMID:34050257). It is absent or not present at a significant frequency in gnomAD. In conclusion, we classify GLA p.Asn53ThrfsTer68 (c.158del) as a likely pathogenic variant.

Literature cited by the submitters: PubMed 34050257.

NM_000169.3(GLA):c.158del (p.Asn53fs)

Genes: GLA (galactosidase alpha; minus strand), RPL36A-HNRNPH2 (RPL36A-HNRNPH2 readthrough; plus strand). Cytogenetic location: Xq22.1.
Variant type: Deletion.
Coding change: c.158del on transcript NM_000169.3 (MANE Select); coding-DNA position 158, one base deleted (A; older notation c.158delA).
Protein change: p.Asn53fs; shifts the reading frame from asparagine 53.
Molecular consequence: frameshift variant. On other transcripts: non-coding transcript variant (3), intron variant (2).
Genome position (GRCh38, 1-based): chrX:101,407,746, T deleted on the plus strand (A on the coding strand, the reverse complement: GLA is on the minus strand); the first of 2 consecutive T bases (chrX:101,407,746-101,407,747); deleting either gives the same sequence. VCF-style (leftmost placement, unchanged base first): chrX-101407745-GT-G. GRCh37 (hg19) VCF-style: chrX-100662733-GT-G.
Other names: c.158del, p.Asn53fs (NM_001406747.1, NM_001406748.1, NM_001406749.1); c.301-4189del (NM_001199973.2); c.178-4189del (NM_001199974.2); short protein forms N53fs.
Identifiers: ClinVar variation 4087264 (VCV004087264.2).